The following is an entry in ClinVar:

ClinVar aggregate classification (germline): Uncertain significance (1 of 4 stars; one submission).

Conditions:
Congenital contractural arachnodactyly (CCA). Also called: Arthrogryposis, distal, type 9; BEALS SYNDROME; Beals-Hecht syndrome. Identifiers: Orphanet 115, MedGen C0220668, MONDO:0007363, OMIM 121050.

Submission:

Labcorp Genetics (formerly Invitae), Labcorp
Classification: Uncertain significance for Congenital contractural arachnodactyly. Last evaluated: 2022-10-16. Review status: criteria provided, single submitter. Criteria: Invitae Variant Classification Sherloc (09022015). Collection method: clinical testing. Allele origin: germline.
Comment: In summary, the available evidence is currently insufficient to determine the role of this variant in disease. Therefore, it has been classified as a Variant of Uncertain Significance. Variants that disrupt the consensus splice site are a relatively common cause of aberrant splicing (PMID: 17576681, 9536098). Algorithms developed to predict the effect of sequence changes on RNA splicing suggest that this variant may disrupt the consensus splice site. This variant has not been reported in the literature in individuals affected with FBN2-related conditions. This variant is not present in population databases (gnomAD no frequency). This sequence change falls in intron 30 of the FBN2 gene. It does not directly change the encoded amino acid sequence of the FBN2 protein. It affects a nucleotide within the consensus splice site.

Literature cited by the submitters: PubMed 17576681; PubMed 9536098.

NM_001999.4(FBN2):c.3974-3T>A

Gene: FBN2 (fibrillin 2; minus strand). Cytogenetic location: 5q23.3.
Variant type: single nucleotide variant.
Coding change: c.3974-3T>A on transcript NM_001999.4 (MANE Select); 3 bases into the intron before coding-DNA position 3974, T replaced by A.
Molecular consequence: intron variant.
Genome position (GRCh38, 1-based): chr5:128,334,847, A>T on the plus strand (T>A on the coding strand, the complement: FBN2 is on the minus strand). VCF-style: chr5-128334847-A-T. GRCh37 (hg19) VCF-style: chr5-127670539-A-T.
Identifiers: ClinVar variation 2035759 (VCV002035759.4), dbSNP rs2479797375, ClinGen allele CA2580072567.